The following is an entry in ClinVar:

ClinVar aggregate classification (germline): Conflicting classifications of pathogenicity. Review status: criteria provided, conflicting classifications (1 of 4 stars). 10 submissions from 10 submitters: Uncertain significance (2); Benign (1); Likely benign (7). Last evaluated 2025-12-29.

Conditions:
Hereditary cancer-predisposing syndrome. Also called: Hereditary neoplastic syndrome; Hereditary Cancer Syndrome; Neoplastic Syndromes, Hereditary; Tumor predisposition. Identifiers: Orphanet 140162, MedGen C0027672, MeSH D009386, MONDO:0015356.
Hereditary nonpolyposis colorectal neoplasms. Identifiers: MedGen C0009405, MeSH D003123.
Lynch syndrome. Identifiers: Orphanet 144, MedGen C4552100, MONDO:0005835. Disease mechanism: loss of function.
Lynch syndrome 5 (LYNCH5). Also called: Hereditary non-polyposis colorectal cancer, type 5; Colorectal cancer, hereditary nonpolyposis, type 5. Identifiers: Orphanet 144, MedGen C1833477, MONDO:0013710, OMIM 614350. Disease mechanism: loss of function.

Allele frequency attached by ClinVar (database versions not stated): gnomAD exomes 0.00001.
gnomAD v4.1: 10 of 1,608,626 alleles (0.00062%); highest among the groups gnomAD compares: Non-Finnish European, 0.00076%; no homozygotes.

Submissions (10):

Center for Genomic Medicine, Rigshospitalet, Copenhagen University Hospital
Classification: Likely benign. Last evaluated: 2025-12-29. Review status: criteria provided, single submitter. Criteria: ACMG Guidelines, 2015. Collection method: clinical testing. Allele origin: germline.
Comment: Classification criteria: BP4, BP7

Labcorp Genetics (formerly Invitae), Labcorp
Classification: Likely benign for Hereditary nonpolyposis colorectal neoplasms. Last evaluated: 2025-12-08. Review status: criteria provided, single submitter. Criteria: Invitae Variant Classification Sherloc (09022015). Collection method: clinical testing. Allele origin: germline.

Quest Diagnostics Nichols Institute San Juan Capistrano
Classification: Uncertain significance. Last evaluated: 2025-01-30. Review status: criteria provided, single submitter. Criteria: Quest Diagnostics criteria. Collection method: clinical testing. Allele origin: unknown.
Comment: The MSH6 c.117G>A (p.Gly39=) synonymous variant has not been reported in individuals with MSH6-related conditions in the published literature. The frequency of this variant in the general population (Genome Aggregation Database) is uninformative in the assessment of its pathogenicity. Analysis of this variant using software algorithms for the prediction of the effect of nucleotide changes on splicing yielded predictions that this variant does not affect MSH6 mRNA splicing. Based on the available information, we are unable to determine the clinical significance of this variant.

Myriad Genetics, Inc.
Classification: Benign for Lynch syndrome 5. Last evaluated: 2024-12-17. Review status: criteria provided, single submitter. Criteria: Myriad Autosomal Dominant, Autosomal Recessive and X-Linked Classification Criteria (2023). Collection method: clinical testing. Allele origin: unknown.
Comment: This variant is considered benign. This variant is a silent/synonymous amino acid change and it is not expected to impact splicing.

All of Us Research Program, National Institutes of Health
Classification: Likely benign for Lynch syndrome. Last evaluated: 2023-12-13. Review status: criteria provided, single submitter. Criteria: ACMG Guidelines, 2015. Collection method: clinical testing. Allele origin: germline. Inheritance: Autosomal dominant inheritance. Observed: 6 variant alleles, 6 heterozygotes.
Comment: This study involves interpretation of variants in research participants for the purpose of population health screening. Participant phenotype was not available at the time of variant classification. Additional details can be found in publication PMID: 35346344, PMCID: PMC8962531

Sema4
Classification: Uncertain significance for Hereditary cancer-predisposing syndrome. Last evaluated: 2022-02-15. Review status: criteria provided, single submitter. Criteria: Sema4 Curation Guidelines. Collection method: curation. Allele origin: germline.
Comment: The MSH6 c.117G>A (p.G39=) variant has not been reported in the literature to our knowledge. This variant was observed in 1/101526 chromosomes in the Non-Finnish European population according to the Genome Aggregation Database (PMID: 32461654). This variant has been reported in ClinVar (Variation ID: 237129). The nucleotide is moderately conserved and in silico tools predict that this variant may not impact splicing, though these predictions have not been confirmed by functional studies. The evidence is insufficient to meet ACMG/AMP criteria for classifying the variant as benign or pathogenic. Thus, the clinical significance of this variant is currently uncertain.

Women's Health and Genetics/Laboratory Corporation of America, LabCorp
Classification: Likely benign. Last evaluated: 2019-08-29. Review status: criteria provided, single submitter. Criteria: LabCorp Variant Classification Summary - May 2015. Collection method: clinical testing. Allele origin: germline.

GeneDx
Classification: Likely benign. Last evaluated: 2017-10-10. Review status: criteria provided, single submitter. Criteria: GeneDx Variant Classification (06012015). Collection method: clinical testing. Allele origin: germline. Affected: yes.
Comment: This variant is considered likely benign or benign based on one or more of the following criteria: it is a conservative change, it occurs at a poorly conserved position in the protein, it is predicted to be benign by multiple in silico algorithms, and/or has population frequency not consistent with disease.

Color Diagnostics, LLC DBA Color Health
Classification: Likely benign for Hereditary cancer-predisposing syndrome. Last evaluated: 2015-12-28. Review status: criteria provided, single submitter. Criteria: ACMG Guidelines, 2015. Collection method: clinical testing. Allele origin: germline.

Ambry Genetics
Classification: Likely benign for Hereditary cancer-predisposing syndrome. Last evaluated: 2015-11-18. Review status: criteria provided, single submitter. Criteria: Ambry Variant Classification Scheme 2023. Collection method: clinical testing. Allele origin: germline.

NM_000179.3(MSH6):c.117G>A (p.Gly39=)

Gene: MSH6 (mutS homolog 6; plus strand). Cytogenetic location: 2p16.3.
Variant type: single nucleotide variant.
Coding change: c.117G>A on transcript NM_000179.3 (MANE Select); coding-DNA position 117, G replaced by A.
Protein change: p.Gly39=; no amino-acid change (glycine 39 retained).
Molecular consequence: synonymous variant. On other transcripts: 5 prime UTR variant (1).
Genome position (GRCh38, 1-based): chr2:47,783,350, G>A. VCF-style: chr2-47783350-G-A. GRCh37 (hg19) VCF-style: chr2-48010489-G-A.
Other names: c.117G>A, p.Gly39= (NM_001281492.2); c.-620G>A (NM_001281493.2).
Identifiers: ClinVar variation 237129 (VCV000237129.26), dbSNP rs756673077, ClinGen allele CA067275.